The following is an entry in ClinVar:

ClinVar aggregate classification (germline): Likely pathogenic (1 of 4 stars; one submission).

Conditions:
Hereditary liability to pressure palsies (HNPP). Also called: POLYNEUROPATHY, FAMILIAL RECURRENT; TOMACULOUS NEUROPATHY; Hereditary Neuropathy with Liability to Pressure Palsies. Identifiers: Orphanet 640, MedGen C0393814, MONDO:0008087, OMIM 162500.
Guillain-Barre syndrome, familial (GBS). Identifiers: Orphanet 98916, MedGen C4083008, MONDO:0007691, OMIM 139393.
Roussy-Lévy syndrome. Also called: Roussy Levy hereditary areflexic dystasia; Roussy-Levy disease; Hereditary areflexic dystasia; Roussy-Levy Syndrome. Identifiers: Orphanet 3115, MedGen C0205713, MONDO:0008392, OMIM 180800.
Dejerine-Sottas disease. Also called: Charcot-Marie-Tooth disease type 3; DEJERINE-SOTTAS NEUROPATHY; HEREDITARY MOTOR AND SENSORY NEUROPATHY TYPE III; Hereditary motor and sensory neuropathy 3; HMSN Type III. Identifiers: Orphanet 64748, MedGen C0011195, MONDO:0007790, OMIM 145900.
Charcot-Marie-Tooth disease type 1E. Also called: CHARCOT-MARIE-TOOTH DISEASE, DEMYELINATING, TYPE 1E; CHARCOT-MARIE-TOOTH NEUROPATHY AND DEAFNESS, AUTOSOMAL DOMINANT; Charcot-Marie-Tooth Neuropathy Type 1E; Charcot-Marie-Tooth disease and deafness. Identifiers: Orphanet 90658, MedGen C3495591, MONDO:0007311, OMIM 118300.
Charcot-Marie-Tooth disease, type IA (CMT1A). Also called: CHARCOT-MARIE-TOOTH DISEASE, DEMYELINATING, TYPE 1A; CHARCOT-MARIE-TOOTH DISEASE, AUTOSOMAL DOMINANT, WITH FOCALLY FOLDED MYELIN SHEATHS, TYPE 1A; CHARCOT-MARIE-TOOTH NEUROPATHY, TYPE 1A; HEREDITARY MOTOR AND SENSORY NEUROPATHY IA; Charcot-Marie-Tooth disease type 1A; CMT 1A. Identifiers: Orphanet 101081, MedGen C0270911, MONDO:0007309, OMIM 118220.

Submission:

Kariminejad - Najmabadi Pathology & Genetics Center
Classification: Likely pathogenic for Guillain-Barre syndrome, familial; Charcot-Marie-Tooth disease, type IA; Charcot-Marie-Tooth disease type 1E; Dejerine-Sottas disease; Hereditary liability to pressure palsies; Roussy-Lévy syndrome. Last evaluated: 2022-02-08. Review status: criteria provided, single submitter. Criteria: ACMG Guidelines, 2015. Collection method: clinical testing. Allele origin: germline. Inheritance: Autosomal dominant inheritance. Affected: yes.
Comment: PVS1-PM2

NM_000304.4(PMP22):c.201del (p.Thr68fs)

Gene: PMP22 (peripheral myelin protein 22; minus strand). Cytogenetic location: 17p12.
Variant type: Deletion.
Coding change: c.201del on transcript NM_000304.4 (MANE Select); coding-DNA position 201, one base deleted (C; older notation c.201delC).
Protein change: p.Thr68fs; shifts the reading frame from threonine 68.
Molecular consequence: frameshift variant. On other transcripts: non-coding transcript variant (2).
Genome position (GRCh38, 1-based): chr17:15,239,589, G deleted on the plus strand (C on the coding strand, the reverse complement: PMP22 is on the minus strand); the first of 2 consecutive G bases (chr17:15,239,589-15,239,590); deleting either gives the same sequence. VCF-style (leftmost placement, unchanged base first): chr17-15239588-TG-T. GRCh37 (hg19) VCF-style: chr17-15142905-TG-T.
Other names: c.201del, p.Thr68fs (NM_001281455.2, NM_001281456.2, NM_001330143.2 and 2 more transcripts); c.201delC (NM_000304.4); short protein forms T68fs.
Identifiers: ClinVar variation 3896952 (VCV003896952.1).